The following is an entry in ClinVar:

NM_005228.5(EGFR):c.2777T>C (p.Ile926Thr)

Gene: EGFR (epidermal growth factor receptor; plus strand). Cytogenetic location: 7p11.2.
Variant type: single nucleotide variant.
Coding change: c.2777T>C on transcript NM_005228.5 (MANE Select); coding-DNA position 2777, T replaced by C.
Protein change: p.Ile926Thr; replaces isoleucine 926 with threonine.
Molecular consequence: missense variant.
Genome position (GRCh38, 1-based): chr7:55,198,792, T>C. VCF-style: chr7-55198792-T-C. GRCh37 (hg19) VCF-style: chr7-55266485-T-C.
Other names: c.2642T>C, p.Ile881Thr (NM_001346897.2, NM_001346899.2); c.2777T>C, p.Ile926Thr (NM_001346898.2); c.2618T>C, p.Ile873Thr (NM_001346900.2); c.1976T>C, p.Ile659Thr (NM_001346941.2); c.2777T>C (NM_005228.3); short protein forms I659T, I873T, I881T, I926T.
Identifiers: ClinVar variation 1045314 (VCV001045314.9), dbSNP rs767507216, ClinGen allele CA367581333.

ClinVar aggregate classification (germline): Uncertain significance. Review status: criteria provided, multiple submitters, no conflicts (2 of 4 stars). 2 submissions from 2 submitters: Uncertain significance (2). Last evaluated 2025-04-04.

Conditions:
Hereditary cancer-predisposing syndrome. Also called: Hereditary Cancer Syndrome; Tumor predisposition; Hereditary neoplastic syndrome; Neoplastic Syndromes, Hereditary. Identifiers: Orphanet 140162, MedGen C0027672, MeSH D009386, MONDO:0015356.
EGFR-related lung cancer (EGFR). Identifiers: MedGen CN130014.

gnomAD v4.1: 2 of 1,614,222 alleles (0.00012%); highest among the groups gnomAD compares: South Asian, 0.0011%; no homozygotes.

Submissions (2):

Ambry Genetics
Classification: Uncertain significance for Hereditary cancer-predisposing syndrome. Last evaluated: 2025-04-04. Review status: criteria provided, single submitter. Criteria: Ambry Variant Classification Scheme 2023. Collection method: clinical testing. Allele origin: germline.
Comment: The p.I926T variant (also known as c.2777T>C), located in coding exon 23 of the EGFR gene, results from a T to C substitution at nucleotide position 2777. The isoleucine at codon 926 is replaced by threonine, an amino acid with similar properties. This amino acid position is conserved. In addition, this alteration is predicted to be tolerated by in silico analysis. Based on the available evidence, the clinical significance of this variant remains unclear.

Labcorp Genetics (formerly Invitae), Labcorp
Classification: Uncertain significance for EGFR-related lung cancer. Last evaluated: 2024-03-28. Review status: criteria provided, single submitter. Criteria: Invitae Variant Classification Sherloc (09022015). Collection method: clinical testing. Allele origin: germline.
Comment: This sequence change replaces isoleucine, which is neutral and non-polar, with threonine, which is neutral and polar, at codon 926 of the EGFR protein (p.Ile926Thr). This variant is present in population databases (no rsID available, gnomAD 0.003%). This variant has not been reported in the literature in individuals affected with EGFR-related conditions. ClinVar contains an entry for this variant (Variation ID: 1045314). Advanced modeling of protein sequence and biophysical properties (such as structural, functional, and spatial information, amino acid conservation, physicochemical variation, residue mobility, and thermodynamic stability) performed at Invitae indicates that this missense variant is not expected to disrupt EGFR protein function with a negative predictive value of 80%. In summary, the available evidence is currently insufficient to determine the role of this variant in disease. Therefore, it has been classified as a Variant of Uncertain Significance.